The following is an entry in ClinVar:

NM_002227.4(JAK1):c.3124G>T (p.Asp1042Tyr)

Gene: JAK1 (Janus kinase 1; minus strand). Cytogenetic location: 1p31.3.
Variant type: single nucleotide variant.
Coding change: c.3124G>T on transcript NM_002227.4 (MANE Select); coding-DNA position 3124, G replaced by T.
Protein change: p.Asp1042Tyr; replaces aspartic acid 1042 with tyrosine.
Molecular consequence: missense variant.
Genome position (GRCh38, 1-based): chr1:64,837,948, C>A on the plus strand (G>T on the coding strand, the complement: JAK1 is on the minus strand). VCF-style: chr1-64837948-C-A. GRCh37 (hg19) VCF-style: chr1-65303631-C-A.
Other names: c.3124G>T, p.Asp1042Tyr (NM_001320923.2, NM_001321852.2, NM_001321853.2 and 3 more transcripts); c.3121G>T, p.Asp1041Tyr (NM_001321857.2); short protein forms D1041Y, D1042Y.
Identifiers: ClinVar variation 1502967 (VCV001502967.6), dbSNP rs2100943850, ClinGen allele CA340661981.

ClinVar aggregate classification (germline): Uncertain significance (1 of 4 stars; one submission).

Submission:

Labcorp Genetics (formerly Invitae), Labcorp
Classification: Uncertain significance. Last evaluated: 2021-09-03. Review status: criteria provided, single submitter. Criteria: Invitae Variant Classification Sherloc (09022015). Collection method: clinical testing. Allele origin: germline.
Comment: This sequence change replaces aspartic acid with tyrosine at codon 1042 of the JAK1 protein (p.Asp1042Tyr). The aspartic acid residue is highly conserved and there is a large physicochemical difference between aspartic acid and tyrosine. This variant is not present in population databases (ExAC no frequency). This variant has not been reported in the literature in individuals affected with JAK1-related conditions. Algorithms developed to predict the effect of missense changes on protein structure and function are either unavailable or do not agree on the potential impact of this missense change (SIFT: "Not Available"; PolyPhen-2: "Probably Damaging"; Align-GVGD: "Not Available"). In summary, the available evidence is currently insufficient to determine the role of this variant in disease. Therefore, it has been classified as a Variant of Uncertain Significance.